The following is an entry in ClinVar:

ClinVar aggregate classification (germline): Benign/Likely benign. Review status: criteria provided, multiple submitters, no conflicts (2 of 4 stars). 3 submissions from 3 submitters: Benign (1); Likely benign (2). Last evaluated 2025-07-30.

Conditions:
Hereditary cancer-predisposing syndrome. Also called: Hereditary neoplastic syndrome; Neoplastic Syndromes, Hereditary; Tumor predisposition; Hereditary Cancer Syndrome. Identifiers: Orphanet 140162, MedGen C0027672, MeSH D009386, MONDO:0015356.
Multiple endocrine neoplasia, type 1 (MEN1). Also called: Endocrine adenomatosis multiple; MEN 1; MEN I; WERMER SYNDROME; MEA I. Identifiers: Orphanet 652, MedGen C0025267, MeSH D018761, MONDO:0007540, OMIM 131100.

Allele frequency attached by ClinVar (database versions not stated): gnomAD exomes below 0.00001.

Submissions (3):

Labcorp Genetics (formerly Invitae), Labcorp
Classification: Likely benign for Multiple endocrine neoplasia, type 1. Last evaluated: 2025-07-30. Review status: criteria provided, single submitter. Criteria: Invitae Variant Classification Sherloc (09022015). Collection method: clinical testing. Allele origin: germline.

Myriad Genetics, Inc.
Classification: Benign for Multiple endocrine neoplasia, type 1. Last evaluated: 2024-11-05. Review status: criteria provided, single submitter. Criteria: Myriad Autosomal Dominant, Autosomal Recessive and X-Linked Classification Criteria (2023). Collection method: clinical testing. Allele origin: unknown.
Comment: This variant is considered benign. This variant is a silent/synonymous amino acid change and it is not expected to impact splicing.

Ambry Genetics
Classification: Likely benign for Hereditary cancer-predisposing syndrome. Last evaluated: 2021-07-04. Review status: criteria provided, single submitter. Criteria: Ambry Variant Classification Scheme 2023. Collection method: clinical testing. Allele origin: germline.

NM_001370259.2(MEN1):c.1344G>A (p.Glu448=)

Gene: MEN1 (menin 1; minus strand). Cytogenetic location: 11q13.1.
Variant type: single nucleotide variant.
Coding change: c.1344G>A on transcript NM_001370259.2 (MANE Select); coding-DNA position 1344, G replaced by A.
Protein change: p.Glu448=; no amino-acid change (glutamic acid 448 retained).
Molecular consequence: synonymous variant.
Genome position (GRCh38, 1-based): chr11:64,805,040, C>T on the plus strand (G>A on the coding strand, the complement: MEN1 is on the minus strand). VCF-style: chr11-64805040-C-T. GRCh37 (hg19) VCF-style: chr11-64572512-C-T.
Other names: c.1359G>A, p.Glu453= (NM_000244.4, NM_130800.3, NM_130801.3 and 3 more transcripts); c.1470G>A, p.Glu490= (NM_001370251.2); c.1344G>A, p.Glu448= (NM_001370260.2, NM_001370261.2, NM_130799.3); c.1239G>A, p.Glu413= (NM_001370262.2, NM_001370263.2).
Identifiers: ClinVar variation 1001823 (VCV001001823.10), dbSNP rs371339952, ClinGen allele CA060401.